The following is an entry in ClinVar:

ClinVar aggregate classification (germline): Uncertain significance. Review status: criteria provided, multiple submitters, no conflicts (2 of 4 stars). 2 submissions from 2 submitters: Uncertain significance (2). Last evaluated 2022-10-04.

Conditions:
Cone-rod dystrophy 13 (CORD13). Identifiers: Orphanet 1872, MedGen C2750720, MONDO:0011987, OMIM 608194.
Leber congenital amaurosis 6 (LCA6). Identifiers: Orphanet 65, MedGen C1854260, MONDO:0013446, OMIM 613826.

Allele frequency attached by ClinVar (database versions not stated): gnomAD exomes below 0.00001 and 0.00001; ExAC 0.00001.
gnomAD v4.1: 6 of 1,614,056 alleles (0.00037%); highest among the groups gnomAD compares: Middle Eastern, 0.016%; no homozygotes.

Submissions (2):

Blueprint Genetics
Classification: Uncertain significance. Last evaluated: 2022-10-04. Review status: criteria provided, single submitter. Criteria: ACMG Guidelines, 2015. Collection method: clinical testing. Allele origin: germline.

Labcorp Genetics (formerly Invitae), Labcorp
Classification: Uncertain significance for Leber congenital amaurosis 6; Cone-rod dystrophy 13. Last evaluated: 2022-07-12. Review status: criteria provided, single submitter. Criteria: Invitae Variant Classification Sherloc (09022015). Collection method: clinical testing. Allele origin: germline.
Comment: Algorithms developed to predict the effect of missense changes on protein structure and function output the following: SIFT: "Tolerated"; PolyPhen-2: "Benign"; Align-GVGD: "Class C0". The lysine amino acid residue is found in multiple mammalian species, which suggests that this missense change does not adversely affect protein function. In summary, the available evidence is currently insufficient to determine the role of this variant in disease. Therefore, it has been classified as a Variant of Uncertain Significance. ClinVar contains an entry for this variant (Variation ID: 1398945). This sequence change replaces glutamine, which is neutral and polar, with lysine, which is basic and polar, at codon 649 of the RPGRIP1 protein (p.Gln649Lys). This variant is present in population databases (rs747575530, gnomAD 0.0009%). This missense change has been observed in individual(s) with clincal features of inherited retinal dystrophy (Invitae).

NM_020366.4(RPGRIP1):c.1945C>A (p.Gln649Lys)

Gene: RPGRIP1 (RPGR interacting protein 1; plus strand). Cytogenetic location: 14q11.2.
Variant type: single nucleotide variant.
Coding change: c.1945C>A on transcript NM_020366.4 (MANE Select); coding-DNA position 1945, C replaced by A.
Protein change: p.Gln649Lys; replaces glutamine 649 with lysine.
Molecular consequence: missense variant. On other transcripts: intron variant (4).
Genome position (GRCh38, 1-based): chr14:21,324,800, C>A. VCF-style: chr14-21324800-C-A. GRCh37 (hg19) VCF-style: chr14-21792959-C-A.
Other names: c.871C>A, p.Gln291Lys (NM_001377948.1); c.796+75C>A (NM_001377949.1); c.688+2796C>A (NM_001377523.1, NM_001377950.1); c.190+2796C>A (NM_001377951.1); short protein forms Q649K, Q291K.
Identifiers: ClinVar variation 1398945 (VCV001398945.9), dbSNP rs747575530, ClinGen allele CA7089128.